The following is an entry in ClinVar:

NM_017491.5(WDR1):c.319G>T (p.Asp107Tyr)

Gene: WDR1 (WD repeat domain 1; minus strand). Cytogenetic location: 4p16.1.
Variant type: single nucleotide variant.
Coding change: c.319G>T on transcript NM_017491.5 (MANE Select); coding-DNA position 319, G replaced by T.
Protein change: p.Asp107Tyr; replaces aspartic acid 107 with tyrosine.
Molecular consequence: missense variant. On other transcripts: intron variant (1).
Genome position (GRCh38, 1-based): chr4:10,099,050, C>A on the plus strand (G>T on the coding strand, the complement: WDR1 is on the minus strand). VCF-style: chr4-10099050-C-A. GRCh37 (hg19) VCF-style: chr4-10100674-C-A.
Other names: c.139-10309G>T (NM_005112.5); short protein forms D107Y.
Identifiers: ClinVar variation 2097178 (VCV002097178.4), dbSNP rs2547371810, ClinGen allele CA356363604.

ClinVar aggregate classification (germline): Uncertain significance (1 of 4 stars; one submission).

Submission:

Labcorp Genetics (formerly Invitae), Labcorp
Classification: Uncertain significance. Last evaluated: 2022-11-01. Review status: criteria provided, single submitter. Criteria: Invitae Variant Classification Sherloc (09022015). Collection method: clinical testing. Allele origin: germline.
Comment: In summary, the available evidence is currently insufficient to determine the role of this variant in disease. Therefore, it has been classified as a Variant of Uncertain Significance. Algorithms developed to predict the effect of missense changes on protein structure and function are either unavailable or do not agree on the potential impact of this missense change (SIFT: "Deleterious"; PolyPhen-2: "Probably Damaging"; Align-GVGD: "Class C15"). This variant has not been reported in the literature in individuals affected with WDR1-related conditions. This variant is not present in population databases (gnomAD no frequency). This sequence change replaces aspartic acid, which is acidic and polar, with tyrosine, which is neutral and polar, at codon 107 of the WDR1 protein (p.Asp107Tyr).